The following is an entry in ClinVar:

NM_133497.4(KCNV2):c.427G>A (p.Glu143Lys)

Gene: KCNV2 (potassium voltage-gated channel modifier subfamily V member 2; plus strand). Cytogenetic location: 9p24.2.
Variant type: single nucleotide variant.
Coding change: c.427G>A on transcript NM_133497.4 (MANE Select); coding-DNA position 427, G replaced by A.
Protein change: p.Glu143Lys; replaces glutamic acid 143 with lysine.
Molecular consequence: missense variant.
Genome position (GRCh38, 1-based): chr9:2,718,166, G>A. VCF-style: chr9-2718166-G-A. GRCh37 (hg19) VCF-style: chr9-2718166-G-A.
Other names: short protein forms E143K.
Identifiers: ClinVar variation 944610 (VCV000944610.9), dbSNP rs104894113, ClinGen allele CA187971394.
Genomic context (GRCh38, chr9:2,718,166, plus strand): 5'-CTAGGTCGCCTGGCCACCTCCACCAGCCGCAGCCGCCAGCTAAGCCTGTGCGACGACTAC[G>A]AGGAGCAGACAGACGAATACTTCTTCGACCGCGACCCGGCCGTCTTCCAGCTGGTCTACA-3'
Protein context (NP_598004.1, residues 133-153): SRQLSLCDDY[Glu143Lys]EQTDEYFFDR

ClinVar aggregate classification (germline): Uncertain significance (1 of 4 stars; one submission).

Submission:

Labcorp Genetics (formerly Invitae), Labcorp
Classification: Uncertain significance. Last evaluated: 2019-07-30. Review status: criteria provided, single submitter. Criteria: Invitae Variant Classification Sherloc (09022015). Collection method: clinical testing. Allele origin: germline.
Comment: In summary, the available evidence is currently insufficient to determine the role of this variant in disease. Therefore, it has been classified as a Variant of Uncertain Significance. Algorithms developed to predict the effect of missense changes on protein structure and function (SIFT, PolyPhen-2, Align-GVGD) all suggest that this variant is likely to be tolerated, but these predictions have not been confirmed by published functional studies and their clinical significance is uncertain. This variant has not been reported in the literature in individuals with KCNV2-related conditions. This variant is not present in population databases (ExAC no frequency). This sequence change replaces glutamic acid with lysine at codon 143 of the KCNV2 protein (p.Glu143Lys). The glutamic acid residue is moderately conserved and there is a small physicochemical difference between glutamic acid and lysine.